The following is an entry in ClinVar:

NM_005055.5(RAPSN):c.948C>T (p.Ala316=)

Gene: RAPSN (receptor associated protein of the synapse; minus strand). Cytogenetic location: 11p11.2.
Variant type: single nucleotide variant.
Coding change: c.948C>T on transcript NM_005055.5 (MANE Select); coding-DNA position 948, C replaced by T.
Protein change: p.Ala316=; no amino-acid change (alanine 316 retained).
Molecular consequence: synonymous variant. On other transcripts: intron variant (1).
Genome position (GRCh38, 1-based): chr11:47,441,177, G>A on the plus strand (C>T on the coding strand, the complement: RAPSN is on the minus strand). VCF-style: chr11-47441177-G-A. GRCh37 (hg19) VCF-style: chr11-47462728-G-A.
Other names: c.789+646C>T (NM_032645.5).
Identifiers: ClinVar variation 704749 (VCV000704749.19), dbSNP rs374676714, ClinGen allele CA5976553.

ClinVar aggregate classification (germline): Likely benign. Review status: criteria provided, multiple submitters, no conflicts (2 of 4 stars). 3 submissions from 3 submitters: Likely benign (2). 1 of the submissions does not count toward it. Last evaluated 2025-12-06.

Conditions:
Fetal akinesia deformation sequence 1 (FADS1). Also called: Fetal akinesia sequence; Pena-Shokeir syndrome type I. Identifiers: Orphanet 994, MedGen C1276035, MONDO:0100101, OMIM 208150, HP:0001989.
Congenital myasthenic syndrome 11. Also called: MYASTHENIC SYNDROME, CONGENITAL, Ie; Myasthenic syndrome, congenital, 11, associated with acetylcholine receptor deficiency. Identifiers: Orphanet 590, MedGen C4225367, MONDO:0014588, OMIM 616326.
Congenital myasthenic syndrome (CMS). Also called: Congenital Myasthenic Syndromes. Identifiers: Orphanet 590, MedGen C0751882, MeSH D020294, MONDO:0018940.

Allele frequency attached by ClinVar (database versions not stated): gnomAD 0.00006; TOPMed 0.00006; ESP Exome Variant Server 0.00015.
gnomAD v4.1: 106 of 1,613,908 alleles (0.0066%); highest among the groups gnomAD compares: Middle Eastern, 0.18%; no homozygotes.

Submissions (3):

Labcorp Genetics (formerly Invitae), Labcorp
Classification: Likely benign for Congenital myasthenic syndrome 11; Fetal akinesia deformation sequence 1. Last evaluated: 2025-12-06. Review status: criteria provided, single submitter. Criteria: Invitae Variant Classification Sherloc (09022015). Collection method: clinical testing. Allele origin: germline.

CeGaT Center for Human Genetics Tuebingen
Classification: Likely benign. Last evaluated: 2025-03-01. Review status: criteria provided, single submitter. Criteria: CeGaT Center For Human Genetics Tuebingen Variant Classification Criteria Version 2. Collection method: clinical testing. Allele origin: germline. Affected: yes. Observed: 1 variant allele.
Comment: RAPSN: BP4, BP7

Natera, Inc.
Classification: Uncertain significance for Congenital myasthenic syndrome. Last evaluated: 2020-04-13. Review status: no assertion criteria provided. Collection method: clinical testing. Allele origin: germline. Not counted in ClinVar's aggregate classification.